The following is an entry in ClinVar:

NM_005219.5(DIAPH1):c.3659A>G (p.Gln1220Arg)

Gene: DIAPH1 (diaphanous related formin 1; minus strand). Cytogenetic location: 5q31.3.
Variant type: single nucleotide variant.
Coding change: c.3659A>G on transcript NM_005219.5 (MANE Select); coding-DNA position 3659, A replaced by G.
Protein change: p.Gln1220Arg; replaces glutamine 1220 with arginine.
Molecular consequence: missense variant.
Genome position (GRCh38, 1-based): chr5:141,524,145, T>C on the plus strand (A>G on the coding strand, the complement: DIAPH1 is on the minus strand). VCF-style: chr5-141524145-T-C. GRCh37 (hg19) VCF-style: chr5-140903712-T-C.
Other names: c.3632A>G, p.Gln1211Arg (NM_001079812.3); c.3659A>G, p.Gln1220Arg (NM_001314007.2); c.3659A>G (NM_005219.4); short protein forms Q1211R, Q1220R.
Identifiers: ClinVar variation 1716941 (VCV001716941.7), dbSNP rs2513612881, ClinGen allele CA361575004.
Genomic context (GRCh38, chr5:141,524,145, plus strand): 5'-GGAGTAGAGAGCCCTCACCCCCTTCGACACCCAGGATGAGCTCCATGTGCTTACTTACCT[T>C]GACGGGGCCCTCTCTTCCGTCGGAATGCTGCCCCTGACTGCAGGGCTTCTAGAAGACTGT-3'
Protein context (NP_005210.3, residues 1210-1230): AAFRRKRGPR[Gln1220Arg]ANRKAGCAVT

ClinVar aggregate classification (germline): Uncertain significance. Review status: criteria provided, multiple submitters, no conflicts (2 of 4 stars). 2 submissions from 2 submitters: Uncertain significance (2). Last evaluated 2022-10-03.

Conditions:
Progressive microcephaly-seizures-cortical blindness-developmental delay syndrome. Also called: Seizures, cortical blindness, and microcephaly syndrome. Identifiers: Orphanet 477814, MedGen C5567650, MONDO:0014714, OMIM 616632.
Autosomal dominant nonsyndromic hearing loss 1. Also called: KONIGSMARK SYNDROME; DEAFNESS, AUTOSOMAL DOMINANT 1, WITH OR WITHOUT THROMBOCYTOPENIA. Identifiers: Orphanet 90635, MedGen C1852282, MONDO:0007424, OMIM 124900.
Inborn genetic diseases. Identifiers: MedGen C0950123, MeSH D030342.

gnomAD v4.1: 8 of 1,614,056 alleles (0.0005%); highest among the groups gnomAD compares: Non-Finnish European, 0.00068%; no homozygotes.

Submissions (2):

Ambry Genetics
Classification: Uncertain significance for Inborn genetic diseases. Last evaluated: 2022-10-03. Review status: criteria provided, single submitter. Criteria: Ambry Variant Classification Scheme 2023. Collection method: clinical testing. Allele origin: germline.

Labcorp Genetics (formerly Invitae), Labcorp
Classification: Uncertain significance for Progressive microcephaly-seizures-cortical blindness-developmental delay syndrome; Autosomal dominant nonsyndromic hearing loss 1. Last evaluated: 2022-08-19. Review status: criteria provided, single submitter. Criteria: Invitae Variant Classification Sherloc (09022015). Collection method: clinical testing. Allele origin: germline.
Comment: In summary, the available evidence is currently insufficient to determine the role of this variant in disease. Therefore, it has been classified as a Variant of Uncertain Significance. Algorithms developed to predict the effect of missense changes on protein structure and function (SIFT, PolyPhen-2, Align-GVGD) all suggest that this variant is likely to be tolerated. This variant has not been reported in the literature in individuals affected with DIAPH1-related conditions. This variant is not present in population databases (gnomAD no frequency). This sequence change replaces glutamine, which is neutral and polar, with arginine, which is basic and polar, at codon 1220 of the DIAPH1 protein (p.Gln1220Arg).